The following is an entry in ClinVar:

NM_001753.5(CAV1):c.236A>G (p.His79Arg)

Gene: CAV1 (caveolin 1; plus strand). Cytogenetic location: 7q31.2.
Variant type: single nucleotide variant.
Coding change: c.236A>G on transcript NM_001753.5 (MANE Select); coding-DNA position 236, A replaced by G.
Protein change: p.His79Arg; replaces histidine 79 with arginine.
Molecular consequence: missense variant.
Genome position (GRCh38, 1-based): chr7:116,558,986, A>G. VCF-style: chr7-116558986-A-G. GRCh37 (hg19) VCF-style: chr7-116199040-A-G.
Other names: c.143A>G, p.His48Arg (NM_001172895.1, NM_001172896.2, NM_001172897.2); short protein forms H48R, H79R.
Identifiers: ClinVar variation 1803889 (VCV001803889.2), dbSNP rs376004565, ClinGen allele CA4447853.

ClinVar aggregate classification (germline): Uncertain significance. Review status: criteria provided, multiple submitters, no conflicts (2 of 4 stars). 2 submissions from 2 submitters: Uncertain significance (2). Last evaluated 2024-05-07.

Conditions:
Partial lipodystrophy, congenital cataracts, and neurodegeneration syndrome (FPLD7). Identifiers: MedGen C3807567, MONDO:0011714, OMIM 606721.
Pulmonary hypertension, primary, 3. Identifiers: Orphanet 422, MedGen C3809192, MONDO:0014135, OMIM 615343.
Congenital generalized lipodystrophy type 3 (CGL3). Also called: BERARDINELLI-SEIP CONGENITAL LIPODYSTROPHY, TYPE 3. Identifiers: Orphanet 528, Orphanet 696206, MedGen C2675861, MONDO:0012923, OMIM 612526.

Allele frequency attached by ClinVar (database versions not stated): gnomAD exomes 0.00001; ExAC 0.00003; gnomAD 0.00011; TOPMed 0.00011; ESP Exome Variant Server 0.00015.
gnomAD v4.1: 36 of 1,613,750 alleles (0.0022%); highest among the groups gnomAD compares: African/African-American, 0.037%; no homozygotes.

Submissions (2):

Fulgent Genetics
Classification: Uncertain significance for Partial lipodystrophy, congenital cataracts, and neurodegeneration syndrome; Congenital generalized lipodystrophy type 3; Pulmonary hypertension, primary, 3. Last evaluated: 2024-05-07. Review status: criteria provided, single submitter. Criteria: ACMG Guidelines, 2015. Collection method: clinical testing. Allele origin: germline.

New York Genome Center
Classification: Uncertain significance for Partial lipodystrophy, congenital cataracts, and neurodegeneration syndrome. Last evaluated: 2021-12-20. Review status: criteria provided, single submitter. Criteria: NYGC Assertion Criteria 2020. Collection method: clinical testing. Allele origin: germline. Observed: 1 heterozygote.
Comment: The heterozygous c.236A>G (p. His79Arg) missense variant identified in the CAV1 gene has not been reported in affected individuals in theliterature. The variant has 0.00003187 allele frequency in the gnomAD (v2.1.1 and v3.1.2) database (9 out of 282388 heterozygous alleles, no homozygotes). The variant affects a moderately conserved residue (His79) of CAV1 protein and is predicted deleterious by multiple in silico prediction tools (CADD score = 25.1, REVELscore = 0.817). Based on the available evidence, the heterozygous c.236A>G (p. His79Arg) missense variant identified in the CAV1 gene is reported as a Variant of Uncertain Significance.